The following is an entry in ClinVar:

NM_025137.4(SPG11):c.637C>A (p.Leu213Ile)

Gene: SPG11 (SPG11 vesicle trafficking associated, spatacsin; minus strand). Cytogenetic location: 15q21.1.
Variant type: single nucleotide variant.
Coding change: c.637C>A on transcript NM_025137.4 (MANE Select); coding-DNA position 637, C replaced by A.
Protein change: p.Leu213Ile; replaces leucine 213 with isoleucine.
Molecular consequence: missense variant.
Genome position (GRCh38, 1-based): chr15:44,659,109, G>T on the plus strand (C>A on the coding strand, the complement: SPG11 is on the minus strand). VCF-style: chr15-44659109-G-T. GRCh37 (hg19) VCF-style: chr15-44951307-G-T.
Other names: c.637C>A, p.Leu213Ile (NM_001160227.2, NM_001411132.1); short protein forms L213I.
Identifiers: ClinVar variation 1977913 (VCV001977913.5), dbSNP rs2505768085, ClinGen allele CA392237630.

ClinVar aggregate classification (germline): Uncertain significance (1 of 4 stars; one submission).

Conditions:
Hereditary spastic paraplegia 11. Also called: Spastic paraplegia, mental retardation and thin corpus callosum; SPASTIC PARAPLEGIA, AUTOSOMAL RECESSIVE, WITH MENTAL IMPAIRMENT AND THIN CORPUS CALLOSUM; Spastic Paraplegia 11; Nakamura Osame syndrome; Autosomal recessive hereditary spastic paraplegia, mental impairment, and thin corpus callosum; SPASTIC PARAPLEGIA, AUTOSOMAL RECESSIVE, COMPLICATED, WITH THIN CORPUS CALLOSUM. Identifiers: Orphanet 2822, MedGen C1858479, MONDO:0011445, OMIM 604360.

Submission:

Labcorp Genetics (formerly Invitae), Labcorp
Classification: Uncertain significance for Hereditary spastic paraplegia 11. Last evaluated: 2022-04-11. Review status: criteria provided, single submitter. Criteria: Invitae Variant Classification Sherloc (09022015). Collection method: clinical testing. Allele origin: germline.
Comment: In summary, the available evidence is currently insufficient to determine the role of this variant in disease. Therefore, it has been classified as a Variant of Uncertain Significance. Algorithms developed to predict the effect of missense changes on protein structure and function (SIFT, PolyPhen-2, Align-GVGD) all suggest that this variant is likely to be tolerated. This variant has not been reported in the literature in individuals affected with SPG11-related conditions. This variant is not present in population databases (gnomAD no frequency). This sequence change replaces leucine, which is neutral and non-polar, with isoleucine, which is neutral and non-polar, at codon 213 of the SPG11 protein (p.Leu213Ile).